The following is an entry in ClinVar:

NM_152683.4(PRIMPOL):c.190G>A (p.Val64Ile)

Gene: PRIMPOL (primase and DNA directed polymerase; plus strand). Cytogenetic location: 4q35.1.
Variant type: single nucleotide variant.
Coding change: c.190G>A on transcript NM_152683.4 (MANE Select); coding-DNA position 190, G replaced by A.
Protein change: p.Val64Ile; replaces valine 64 with isoleucine.
Molecular consequence: missense variant. On other transcripts: 5 prime UTR variant (6), non-coding transcript variant (3).
Genome position (GRCh38, 1-based): chr4:184,659,349, G>A. VCF-style: chr4-184659349-G-A. GRCh37 (hg19) VCF-style: chr4-185580503-G-A.
Other names: c.-198G>A (NM_001300767.2); c.190G>A, p.Val64Ile (NM_001300768.2, NM_001345891.2, NM_001345892.2 and 4 more transcripts); c.-377G>A (NM_001345894.2, NM_001345897.2, NM_001345898.2 and 1 more transcripts); c.-58G>A (NM_001345900.2); short protein forms V64I.
Identifiers: ClinVar variation 3355630 (VCV003355630.1).
Genomic context (GRCh38, chr4:184,659,349, plus strand): 5'-TTAGGTTTGCATTTTGTGAATTTTTCTGAATTCTTTTTTGATTTTATGCAGGACGTTCAT[G>A]TATTTGCTTTGGAATGCAAAGTAGGAGATGGACAACGTATTTACCTTGTGACAACCTATG-3'
Protein context (NP_689896.1, residues 54-74): FVKSCKEDVH[Val64Ile]FALECKVGDG

ClinVar aggregate classification (germline): Uncertain significance (0 of 4 stars; one submission).

Conditions:
PRIMPOL-related disorder. Also called: PRIMPOL-related condition.

Submission:

PreventionGenetics, part of Exact Sciences
Classification: Uncertain significance for PRIMPOL-related condition. Last evaluated: 2024-08-07. Review status: no assertion criteria provided. Collection method: clinical testing. Allele origin: germline.
Comment: The PRIMPOL c.190G>A variant is predicted to result in the amino acid substitution p.Val64Ile. To our knowledge, this variant has not been reported in the literature or in a large population database, indicating this variant is rare. At this time, the clinical significance of this variant is uncertain due to the absence of conclusive functional and genetic evidence.